The following is an entry in ClinVar:

ClinVar aggregate classification (germline): Uncertain significance (1 of 4 stars; one submission).

Allele frequency attached by ClinVar (database versions not stated): ExAC 0.00001; gnomAD exomes 0.00001; TOPMed 0.00001; gnomAD 0.00002.
gnomAD v4.1: 8 of 1,608,426 alleles (0.0005%); highest among the groups gnomAD compares: Admixed American, 0.0085%; no homozygotes.

Submission:

Labcorp Genetics (formerly Invitae), Labcorp
Classification: Uncertain significance. Last evaluated: 2023-10-13. Review status: criteria provided, single submitter. Criteria: Invitae Variant Classification Sherloc (09022015). Collection method: clinical testing. Allele origin: germline.
Comment: This sequence change replaces aspartic acid, which is acidic and polar, with asparagine, which is neutral and polar, at codon 443 of the ITSN2 protein (p.Asp443Asn). This variant is present in population databases (rs777149905, gnomAD 0.006%). This variant has not been reported in the literature in individuals affected with ITSN2-related conditions. Experimental studies and prediction algorithms are not available or were not evaluated, and the functional significance of this variant is currently unknown. In summary, the available evidence is currently insufficient to determine the role of this variant in disease. Therefore, it has been classified as a Variant of Uncertain Significance.

NM_006277.3(ITSN2):c.1327G>A (p.Asp443Asn)

Gene: ITSN2 (intersectin 2; minus strand). Cytogenetic location: 2p23.3.
Variant type: single nucleotide variant.
Coding change: c.1327G>A on transcript NM_006277.3 (MANE Select); coding-DNA position 1327, G replaced by A.
Protein change: p.Asp443Asn; replaces aspartic acid 443 with asparagine.
Molecular consequence: missense variant.
Genome position (GRCh38, 1-based): chr2:24,299,926, C>T on the plus strand (G>A on the coding strand, the complement: ITSN2 is on the minus strand). VCF-style: chr2-24299926-C-T. GRCh37 (hg19) VCF-style: chr2-24522795-C-T.
Other names: c.1285G>A, p.Asp429Asn (NM_001348181.2, NM_001348184.2); c.1327G>A, p.Asp443Asn (NM_001348182.2, NM_001348183.2, NM_001348185.2 and 3 more transcripts); short protein forms D429N, D443N.
Identifiers: ClinVar variation 2792889 (VCV002792889.3), dbSNP rs777149905, ClinGen allele CA1551525.